The following is an entry in ClinVar:

NM_001267550.2(TTN):c.69412+4T>G

Genes: TTN (titin; minus strand), TTN-AS1 (TTN antisense RNA 1; plus strand). Cytogenetic location: 2q31.2.
Variant type: single nucleotide variant.
Coding change: c.69412+4T>G on transcript NM_001267550.2 (MANE Select); 4 bases into the intron after coding-DNA position 69412, T replaced by G.
Molecular consequence: intron variant.
Genome position (GRCh38, 1-based): chr2:178,576,919, A>C on the plus strand (T>G on the coding strand, the complement: TTN is on the minus strand). VCF-style: chr2-178576919-A-C. GRCh37 (hg19) VCF-style: chr2-179441646-A-C.
Other names: NC_000002.11:g.179441646A>C; c.42217+4T>G (NM_003319.4); c.42793+4T>G (NM_133437.4); c.42592+4T>G (NM_133432.3); c.61708+4T>G (NM_133378.4); c.64489+4T>G (NM_001256850.1).
Identifiers: ClinVar variation 507404 (VCV000507404.5), dbSNP rs761388922, ClinGen allele CA1990945.

ClinVar aggregate classification (germline): Conflicting classifications of pathogenicity. Review status: criteria provided, conflicting classifications (1 of 4 stars). 2 submissions from 2 submitters: Uncertain significance (1); Likely benign (1). Last evaluated 2025-03-05.

Conditions:
Cardiovascular phenotype. Identifiers: MedGen CN230736.

Allele frequency attached by ClinVar (database versions not stated): TOPMed 0.00003; gnomAD 0.00004 and 0.00003; gnomAD exomes below 0.00001; ExAC 0.00001.
gnomAD v4.1: 6 of 1,609,664 alleles (0.00037%); highest among the groups gnomAD compares: African/African-American, 0.008%; no homozygotes.

Submissions (3):

Ambry Genetics
Classification: Uncertain significance for Cardiovascular phenotype. Last evaluated: 2025-03-05. Review status: criteria provided, single submitter. Criteria: Ambry Variant Classification Scheme 2023. Collection method: clinical testing. Allele origin: germline.
Comment: The c.42217+4T>G intronic variant results from a T to G substitution 4 nucleotides after coding exon 151 in the TTN gene. This nucleotide position is poorly conserved in available vertebrate species. In silico splice site analysis predicts that this alteration will not have any significant effect on splicing. Based on the available evidence, the clinical significance of this variant remains unclear.

GeneDx
Classification: Likely benign. Last evaluated: 2017-02-14. Review status: criteria provided, single submitter. Criteria: GeneDx Variant Classification (06012015). Collection method: clinical testing. Allele origin: germline. Affected: yes.
Comment: This variant is considered likely benign or benign based on one or more of the following criteria: it is a conservative change, it occurs at a poorly conserved position in the protein, it is predicted to be benign by multiple in silico algorithms, and/or has population frequency not consistent with disease.

Dr. Peter K. Rogan Lab, Western University
No classification provided (evidence only). Condition: Ovarian serous cystadenocarcinoma. Review status: no classification provided. Collection method: in vitro. Allele origin: not applicable. Functional consequence: retained intron. Not counted in ClinVar's aggregate classification.